The following is an entry in ClinVar:

NM_000535.7(PMS2):c.903+100T>G

Gene: PMS2 (PMS1 homolog 2, mismatch repair system component; minus strand). Cytogenetic location: 7p22.1.
Variant type: single nucleotide variant.
Coding change: c.903+100T>G on transcript NM_000535.7 (MANE Select); 100 bases into the intron after coding-DNA position 903, T replaced by G.
Molecular consequence: intron variant.
Genome position (GRCh38, 1-based): chr7:5,995,434, A>C on the plus strand (T>G on the coding strand, the complement: PMS2 is on the minus strand). VCF-style: chr7-5995434-A-C. GRCh37 (hg19) VCF-style: chr7-6035065-A-C.
Other names: c.585+100T>G (NM_001322008.2, NM_001322007.2); c.498+100T>G (NM_001322010.2, NM_001322004.2, NM_001322003.2 and 2 more transcripts); c.330+100T>G (NM_001322013.2); c.-31+100T>G (NM_001322012.2, NM_001322011.2); c.594+100T>G (NM_001322015.2); c.903+100T>G (NM_001322006.2, NM_001322014.2).
Identifiers: ClinVar variation 596290 (VCV000596290.15), dbSNP rs12534423, ClinGen allele CA12554749.

ClinVar aggregate classification (germline): Benign. Review status: criteria provided, multiple submitters, no conflicts (2 of 4 stars). 3 submissions from 3 submitters: Benign (3). Last evaluated 2026-02-02.

Conditions:
Hereditary nonpolyposis colorectal neoplasms. Identifiers: MedGen C0009405, MeSH D003123.

Allele frequency attached by ClinVar (database versions not stated): gnomAD 0.04879 and 0.05684; TOPMed 0.05216; 1000 Genomes Project 30x 0.11212; 1000 Genomes Project 0.11801.
gnomAD v4.1: 57,146 of 760,082 alleles (7.5%); highest among the groups gnomAD compares: East Asian, 36%; 4,559 homozygotes.

Submissions (18):

Labcorp Genetics (formerly Invitae), Labcorp
Classification: Benign for Hereditary nonpolyposis colorectal neoplasms. Last evaluated: 2026-02-02. Review status: criteria provided, single submitter. Criteria: Invitae Variant Classification Sherloc (09022015). Collection method: clinical testing. Allele origin: germline.

Eurofins Ntd Llc (ga)
Classification: Benign. Last evaluated: 2018-03-19. Review status: criteria provided, single submitter. Criteria: EGL ClinVar v180209 classification definitions. Collection method: clinical testing. Allele origin: germline. Observed: 2 variant alleles, 2 heterozygotes.

GeneDx
Classification: Benign. Last evaluated: 2015-03-03. Review status: criteria provided, single submitter. Criteria: GeneDx Variant Classification Process June 2021. Collection method: clinical testing. Allele origin: germline. Affected: yes.
Comment: This variant is associated with the following publications: (PMID: 28874130)

Dr. Peter K. Rogan Lab, Western University
No classification provided (evidence only). Condition: Acute myeloid leukemia. Review status: no classification provided. Collection method: in vitro. Allele origin: not applicable. Functional consequence: retained intron. Not counted in ClinVar's aggregate classification.

Dr. Peter K. Rogan Lab, Western University
No classification provided (evidence only). Condition: Acute myeloid leukemia. Review status: no classification provided. Collection method: in vitro. Allele origin: not applicable. Functional consequence: skipped exon, retained intron. Not counted in ClinVar's aggregate classification.

Dr. Peter K. Rogan Lab, Western University
No classification provided (evidence only). Condition: Acute myeloid leukemia. Review status: no classification provided. Collection method: in vitro. Allele origin: not applicable. Functional consequence: retained intron. Not counted in ClinVar's aggregate classification.

Dr. Peter K. Rogan Lab, Western University
No classification provided (evidence only). Condition: Acute myeloid leukemia. Review status: no classification provided. Collection method: in vitro. Allele origin: not applicable. Functional consequence: retained intron. Not counted in ClinVar's aggregate classification.

Dr. Peter K. Rogan Lab, Western University
No classification provided (evidence only). Condition: Uterine corpus endometrial carcinoma. Review status: no classification provided. Collection method: in vitro. Allele origin: not applicable. Functional consequence: retained intron. Not counted in ClinVar's aggregate classification.

Dr. Peter K. Rogan Lab, Western University
No classification provided (evidence only). Condition: Uterine corpus endometrial carcinoma. Review status: no classification provided. Collection method: in vitro. Allele origin: not applicable. Functional consequence: skipped exon, retained intron. Not counted in ClinVar's aggregate classification.

Dr. Peter K. Rogan Lab, Western University
No classification provided (evidence only). Condition: Sarcoma. Review status: no classification provided. Collection method: in vitro. Allele origin: not applicable. Functional consequence: retained intron. Not counted in ClinVar's aggregate classification.

Dr. Peter K. Rogan Lab, Western University
No classification provided (evidence only). Condition: Sarcoma. Review status: no classification provided. Collection method: in vitro. Allele origin: not applicable. Functional consequence: skipped exon, retained intron. Not counted in ClinVar's aggregate classification.

Dr. Peter K. Rogan Lab, Western University
No classification provided (evidence only). Condition: Sarcoma. Review status: no classification provided. Collection method: in vitro. Allele origin: not applicable. Functional consequence: skipped exon. Not counted in ClinVar's aggregate classification.

Dr. Peter K. Rogan Lab, Western University
No classification provided (evidence only). Condition: Sarcoma. Review status: no classification provided. Collection method: in vitro. Allele origin: not applicable. Functional consequence: retained intron. Not counted in ClinVar's aggregate classification.

Dr. Peter K. Rogan Lab, Western University
No classification provided (evidence only). Condition: Sarcoma. Review status: no classification provided. Collection method: in vitro. Allele origin: not applicable. Functional consequence: skipped exon. Not counted in ClinVar's aggregate classification.

Dr. Peter K. Rogan Lab, Western University
No classification provided (evidence only). Condition: Thymoma. Review status: no classification provided. Collection method: in vitro. Allele origin: not applicable. Functional consequence: skipped exon. Not counted in ClinVar's aggregate classification.

Dr. Peter K. Rogan Lab, Western University
No classification provided (evidence only). Condition: Cholangiocarcinoma. Review status: no classification provided. Collection method: in vitro. Allele origin: not applicable. Functional consequence: retained intron. Not counted in ClinVar's aggregate classification.

Dr. Peter K. Rogan Lab, Western University
No classification provided (evidence only). Condition: Cholangiocarcinoma. Review status: no classification provided. Collection method: in vitro. Allele origin: not applicable. Functional consequence: retained intron. Not counted in ClinVar's aggregate classification.

Dr. Peter K. Rogan Lab, Western University
No classification provided (evidence only). Condition: Cholangiocarcinoma. Review status: no classification provided. Collection method: in vitro. Allele origin: not applicable. Functional consequence: skipped exon. Not counted in ClinVar's aggregate classification.